The following is an entry in ClinVar:

ClinVar aggregate classification (germline): Likely benign. Review status: criteria provided, multiple submitters, no conflicts (2 of 4 stars). 2 submissions from 2 submitters: Likely benign (2). Last evaluated 2024-08-27.

Conditions:
Familial adenomatous polyposis 1 (FAP1). Also called: FAMILIAL ADENOMATOUS POLYPOSIS 1, ATTENUATED; POLYPOSIS, ADENOMATOUS INTESTINAL. Identifiers: MedGen C2713442, MONDO:0021056, OMIM 175100. Disease mechanism: loss of function.

Submissions (2):

Labcorp Genetics (formerly Invitae), Labcorp
Classification: Likely benign for Familial adenomatous polyposis 1. Last evaluated: 2024-08-27. Review status: criteria provided, single submitter. Criteria: Invitae Variant Classification Sherloc (09022015). Collection method: clinical testing. Allele origin: germline.

Myriad Genetics, Inc.
Classification: Likely benign for Familial adenomatous polyposis 1. Last evaluated: 2024-02-23. Review status: criteria provided, single submitter. Criteria: Myriad Autosomal Dominant, Autosomal Recessive and X-Linked Classification Criteria (2023). Collection method: clinical testing. Allele origin: unknown.
Comment: This variant is considered likely benign. This variant is intronic and is not expected to impact mRNA splicing.

NM_000038.6(APC):c.423-9A>T

Gene: APC (APC regulator of Wnt signaling pathway; plus strand). Cytogenetic location: 5q22.2.
Variant type: single nucleotide variant.
Coding change: c.423-9A>T on transcript NM_000038.6 (MANE Select); 9 bases into the intron before coding-DNA position 423, A replaced by T.
Molecular consequence: intron variant.
Genome position (GRCh38, 1-based): chr5:112,775,620, A>T. VCF-style: chr5-112775620-A-T. GRCh37 (hg19) VCF-style: chr5-112111317-A-T.
Other names: c.423-9A>T (NM_001354895.2, NM_001127510.3, NM_001354896.2 and 2 more transcripts); c.453-9A>T (NM_001354897.2, NM_001354902.2, NM_001127511.3); c.348-9A>T (NM_001354898.2, NM_001354904.2); c.-613-9A>T (NM_001354906.2); c.246-9A>T (NM_001354900.2, NM_001354901.2, NM_001354905.2).
Identifiers: ClinVar variation 1143398 (VCV001143398.11), dbSNP rs1554071494, ClinGen allele CA2499217418.
Genomic context (GRCh38, chr5:112,775,620, plus strand): 5'-AAGTATTGCTCTTCTGCAGTCTTTATTAGCATTGTTTAAACGTACCTTTTTTTAAAAAAA[A>T]AAAAATAGGTCATTGCTTCTTGCTGATCTTGACAAAGAAGAAAAGGAAAAAGACTGGTAT-3'